The following is an entry in ClinVar:

NM_004655.4(AXIN2):c.1739A>G (p.Lys580Arg)

Gene: AXIN2 (axin 2; minus strand). Cytogenetic location: 17q24.1.
Variant type: single nucleotide variant.
Coding change: c.1739A>G on transcript NM_004655.4 (MANE Select); coding-DNA position 1739, A replaced by G.
Protein change: p.Lys580Arg; replaces lysine 580 with arginine.
Molecular consequence: missense variant. On other transcripts: intron variant (1).
Genome position (GRCh38, 1-based): chr17:65,537,037, T>C on the plus strand (A>G on the coding strand, the complement: AXIN2 is on the minus strand). VCF-style: chr17-65537037-T-C. GRCh37 (hg19) VCF-style: chr17-63533155-T-C.
Other names: c.1739A>G (LRG_296t1); c.1712+287A>G (NM_001363813.1); short protein forms K580R.
Identifiers: ClinVar variation 580356 (VCV000580356.18), dbSNP rs772490357, ClinGen allele CA8718541.
Genomic context (GRCh38, chr17:65,537,037, plus strand): 5'-GGGGCCCCTCCTTCCCTGGCGGGCAGGGCCAGGCCCGGCTCCGTGCCTTTCCCATTGCGT[T>C]TGGGCAAGGTACTGCCTCTGCTGCCGCTGTGGGGAACCAAGAACCACACCCAACCCAGAG-3'
Protein context (NP_004646.3, residues 570-590): FGGSRGSTLP[Lys580Arg]RNGKGTEPGL

ClinVar aggregate classification (germline): Conflicting classifications of pathogenicity. Review status: criteria provided, conflicting classifications (1 of 4 stars). 4 submissions from 4 submitters: Uncertain significance (3); Benign (1). Last evaluated 2025-11-23.

Conditions:
Oligodontia-cancer predisposition syndrome. Also called: TOOTH AGENESIS-COLORECTAL CANCER SYNDROME. Identifiers: Orphanet 300576, MedGen C1837750, MONDO:0012075, OMIM 608615. Disease mechanism: loss of function.
Colorectal cancer. Also called: Colorectal cancer, somatic; Malignant Colorectal Neoplasm. Identifiers: MedGen C0346629, MONDO:0005575, OMIM 114500.
Hereditary cancer-predisposing syndrome. Also called: Neoplastic Syndromes, Hereditary; Tumor predisposition; Hereditary neoplastic syndrome; Hereditary Cancer Syndrome. Identifiers: Orphanet 140162, MedGen C0027672, MeSH D009386, MONDO:0015356.

Allele frequency attached by ClinVar (database versions not stated): TOPMed 0.00001; ExAC 0.00002; gnomAD exomes 0.00002.
gnomAD v4.1: 8 of 1,608,376 alleles (0.0005%); highest among the groups gnomAD compares: Admixed American, 0.0067%; no homozygotes.

Submissions (4):

Labcorp Genetics (formerly Invitae), Labcorp
Classification: Uncertain significance for Oligodontia-cancer predisposition syndrome. Last evaluated: 2025-11-23. Review status: criteria provided, single submitter. Criteria: Invitae Variant Classification Sherloc (09022015). Collection method: clinical testing. Allele origin: germline.
Comment: This sequence change replaces lysine, which is basic and polar, with arginine, which is basic and polar, at codon 580 of the AXIN2 protein (p.Lys580Arg). This variant is present in population databases (rs772490357, gnomAD 0.01%). This variant has not been reported in the literature in individuals affected with AXIN2-related conditions. ClinVar contains an entry for this variant (Variation ID: 580356). Invitae Evidence Modeling of protein sequence and biophysical properties (such as structural, functional, and spatial information, amino acid conservation, physicochemical variation, residue mobility, and thermodynamic stability) indicates that this missense variant is not expected to disrupt AXIN2 protein function with a negative predictive value of 80%. In summary, the available evidence is currently insufficient to determine the role of this variant in disease. Therefore, it has been classified as a Variant of Uncertain Significance.

Quest Diagnostics Nichols Institute San Juan Capistrano
Classification: Uncertain significance. Last evaluated: 2025-06-30. Review status: criteria provided, single submitter. Criteria: Quest Diagnostics criteria. Collection method: clinical testing. Allele origin: unknown.
Comment: The AXIN2 c.1739A>G (p.Lys580Arg) variant has not been reported in individuals with AXIN2-related conditions in the published literature. The frequency of this variant in the general population (Genome Aggregation Database) is uninformative in the assessment of its pathogenicity. Analysis of this variant using bioinformatics tools for the prediction of the effect of amino acid changes on protein structure and function yielded predictions that this variant is benign. Based on the available information, we are unable to determine the clinical significance of this variant.

Ambry Genetics
Classification: Benign for Hereditary cancer-predisposing syndrome. Last evaluated: 2024-08-02. Review status: criteria provided, single submitter. Criteria: Ambry Variant Classification Scheme 2023. Collection method: clinical testing. Allele origin: germline.

Baylor Genetics
Classification: Uncertain significance for Colorectal cancer. Last evaluated: 2024-01-23. Review status: criteria provided, single submitter. Criteria: ACMG Guidelines, 2015. Collection method: clinical testing. Allele origin: unknown.